The following is an entry in ClinVar:

NM_006939.4(SOS2):c.345+6A>G

Gene: SOS2 (SOS Ras/Rho guanine nucleotide exchange factor 2; minus strand). Cytogenetic location: 14q21.3.
Variant type: single nucleotide variant.
Coding change: c.345+6A>G on transcript NM_006939.4 (MANE Select); 6 bases into the intron after coding-DNA position 345, A replaced by G.
Molecular consequence: intron variant.
Genome position (GRCh38, 1-based): chr14:50,200,947, T>C on the plus strand (A>G on the coding strand, the complement: SOS2 is on the minus strand). VCF-style: chr14-50200947-T-C. GRCh37 (hg19) VCF-style: chr14-50667665-T-C.
Identifiers: ClinVar variation 1478166 (VCV001478166.6), dbSNP rs2139783376, ClinGen allele CA2511443345.

ClinVar aggregate classification (germline): Uncertain significance (1 of 4 stars; one submission).

Conditions:
Noonan syndrome 9 (NS9). Identifiers: Orphanet 648, MedGen C4225282, MONDO:0014691, OMIM 616559.

Allele frequency attached by ClinVar (database versions not stated): gnomAD exomes below 0.00001.
gnomAD v4.1: 1 of 1,613,378 alleles (0.000062%); highest among the groups gnomAD compares: Non-Finnish European, 0.000085%; no homozygotes.

Submission:

Labcorp Genetics (formerly Invitae), Labcorp
Classification: Uncertain significance for Noonan syndrome 9. Last evaluated: 2021-09-29. Review status: criteria provided, single submitter. Criteria: Invitae Variant Classification Sherloc (09022015). Collection method: clinical testing. Allele origin: germline.
Comment: In summary, the available evidence is currently insufficient to determine the role of this variant in disease. Therefore, it has been classified as a Variant of Uncertain Significance. Variants that disrupt the consensus splice site are a relatively common cause of aberrant splicing (PMID: 17576681, 9536098). Algorithms developed to predict the effect of sequence changes on RNA splicing suggest that this variant is not likely to affect RNA splicing. This variant has not been reported in the literature in individuals affected with SOS2-related conditions. This variant is not present in population databases (ExAC no frequency). This sequence change falls in intron 3 of the SOS2 gene. It does not directly change the encoded amino acid sequence of the SOS2 protein. It affects a nucleotide within the consensus splice site of the intron.

Literature cited by the submitters: PubMed 17576681; PubMed 9536098.